The following is an entry in ClinVar:

ClinVar aggregate classification (germline): Pathogenic/Likely pathogenic. Review status: criteria provided, multiple submitters, no conflicts (2 of 4 stars). 2 submissions from 2 submitters: Pathogenic (1); Likely pathogenic (1). Last evaluated 2024-10-21.

Conditions:
Nemaline myopathy 2 (NEM2). Also called: Nemaline myopathy 2, autosomal recessive. Identifiers: MedGen C1850569, MONDO:0009725, OMIM 256030.

Submissions (2):

Natera, Inc.
Classification: Likely pathogenic for Nemaline myopathy type 2. Last evaluated: 2024-10-21. Review status: criteria provided, single submitter. Criteria: Natera Variant Classification Schema (03/2026). Collection method: clinical testing. Allele origin: germline.
Comment: The c.1811del variant in NEB is a frameshift variant predicted to shift the reading frame beginning at codon 604 and leads to a stop codon 5 codons downstream. This variant is expected to result in nonsense mediated decay, truncation, or a dysfunctional protein product. This variant is rare in the general population with a frequency below the threshold expected for the associated phenotype(s). Given the available evidence, this variant is classified as Likely Pathogenic.

Labcorp Genetics (formerly Invitae), Labcorp
Classification: Pathogenic for Nemaline myopathy 2. Last evaluated: 2023-07-08. Review status: criteria provided, single submitter. Criteria: Invitae Variant Classification Sherloc (09022015). Collection method: clinical testing. Allele origin: germline.
Comment: For these reasons, this variant has been classified as Pathogenic. This variant has not been reported in the literature in individuals affected with NEB-related conditions. This variant is not present in population databases (gnomAD no frequency). This sequence change creates a premature translational stop signal (p.Asn604Thrfs*5) in the NEB gene. It is expected to result in an absent or disrupted protein product. Loss-of-function variants in NEB are known to be pathogenic (PMID: 25205138).

Literature cited by the submitters: PubMed 25205138 (cited by Labcorp Genetics (formerly Invitae), Labcorp).

NM_001164508.2(NEB):c.1811del (p.Asn604fs)

Gene: NEB (nebulin; minus strand). Cytogenetic location: 2q23.3.
Variant type: Deletion.
Coding change: c.1811del on transcript NM_001164508.2 (MANE Select); coding-DNA position 1811, one base deleted (A; older notation c.1811delA).
Protein change: p.Asn604fs; shifts the reading frame from asparagine 604.
Molecular consequence: frameshift variant.
Genome position (GRCh38, 1-based): chr2:151,694,408, T deleted on the plus strand (A on the coding strand, the reverse complement: NEB is on the minus strand); the first of 7 consecutive T bases (chr2:151,694,408-151,694,414); deleting any one gives the same sequence. VCF-style (leftmost placement, unchanged base first): chr2-151694407-GT-G. GRCh37 (hg19) VCF-style: chr2-152550921-GT-G.
Other names: c.1811del (NM_001271208.1); c.1811del, p.Asn604fs (NM_001164507.2, NM_001271208.2, NM_004543.5); c.1805delA, p.Asn604Thrfs (NM_001271208.1); short protein forms N604fs.
Identifiers: ClinVar variation 2793983 (VCV002793983.4), dbSNP rs2552268567, ClinGen allele CA2661474361.
Genomic context (GRCh38, chr2:151,694,407, plus strand): 5'-CAAGGAGTGCAGCATCTTGGGATCGTCATTAATGCTGAGGACTCCAATCATTTTCCCTTT[GT>G]TTTTTTCATAGTCTTTCTTGTACATCACCTGCAAAGACATCACACATGCCAGATTCCACT-3'